The following is an entry in ClinVar:

NM_001330260.2(SCN8A):c.762G>T (p.Val254=)

Gene: SCN8A (sodium voltage-gated channel alpha subunit 8; plus strand). Cytogenetic location: 12q13.13.
Variant type: single nucleotide variant.
Coding change: c.762G>T on transcript NM_001330260.2 (MANE Select); coding-DNA position 762, G replaced by T.
Protein change: p.Val254=; no amino-acid change (valine 254 retained).
Molecular consequence: synonymous variant.
Genome position (GRCh38, 1-based): chr12:51,699,625, G>T. VCF-style: chr12-51699625-G-T. GRCh37 (hg19) VCF-style: chr12-52093409-G-T.
Other names: c.762G>T, p.Val254= (NM_001177984.3, NM_001369788.1, NM_014191.4).
Identifiers: ClinVar variation 4281260 (VCV004281260.7).

ClinVar aggregate classification (germline): Likely benign (1 of 4 stars; one submission).

gnomAD v4.1: 2 of 1,614,046 alleles (0.00012%); highest among the groups gnomAD compares: Non-Finnish European, 0.00017%; no homozygotes.

Submission:

CeGaT Center for Human Genetics Tuebingen
Classification: Likely benign. Last evaluated: 2025-09-01. Review status: criteria provided, single submitter. Criteria: CeGaT Center For Human Genetics Tuebingen Variant Classification Criteria Version 2. Collection method: clinical testing. Allele origin: germline. Affected: yes. Observed: 1 variant allele.
Comment: SCN8A: BP4, BP7